The following is an entry in ClinVar:

NM_001203.3(BMPR1B):c.*1971C>G

Gene: BMPR1B (bone morphogenetic protein receptor type 1B; plus strand). Cytogenetic location: 4q22.3.
Variant type: single nucleotide variant.
Coding change: c.*1971C>G on transcript NM_001203.3 (MANE Select); 1971 bases downstream of the stop codon, C replaced by G.
Molecular consequence: 3 prime UTR variant.
Genome position (GRCh38, 1-based): chr4:95,156,644, C>G. VCF-style: chr4-95156644-C-G. GRCh37 (hg19) VCF-style: chr4-96077795-C-G.
Other names: c.*1971C>G (NM_001256792.2, NM_001256793.2, NM_001256794.1).
Identifiers: ClinVar variation 350155 (VCV000350155.5), dbSNP rs191224787, ClinGen allele CA10622022.
Genomic context (GRCh38, chr4:95,156,644, plus strand): 5'-TACTTCCCAGTGCTTCATAGCTGCATTTTGTTTGTAACTAAGACAGAAGAATTTCGTAAT[C>G]CTTGAAATTGAAAAAAAAAAAATTGTGTTTTTAAAGAGTGAAAACAGTTAGAAAACAAGT-3'

ClinVar aggregate classification (germline): Benign (1 of 4 stars; one submission).

Conditions:
Brachydactyly. Also called: Brachydactyly syndrome; Brachydactyly (disease). Identifiers: MedGen C0221357, MONDO:0021004, HP:0001156.

Allele frequency attached by ClinVar (database versions not stated): gnomAD 0.00028 and 0.00041; TOPMed 0.00053; 1000 Genomes Project 30x 0.00156; 1000 Genomes Project 0.00200.

Submission:

Illumina Laboratory Services, Illumina
Classification: Benign for Brachydactyly. Last evaluated: 2018-01-13. Review status: criteria provided, single submitter. Criteria: ICSL Variant Classification Criteria 13 December 2019. Collection method: clinical testing. Allele origin: germline.
Comment: This variant was observed in the ICSL laboratory as part of a predisposition screen in an ostensibly healthy population. It had not been previously curated by ICSL or reported in the Human Gene Mutation Database (HGMD: prior to June 1st, 2018), and was therefore a candidate for classification through an automated scoring system. Utilizing variant allele frequency, disease prevalence and penetrance estimates, and inheritance mode, an automated score was calculated to assess if this variant is too frequent to cause the disease. Based on the score and internal cut-off values, a variant classified as benign is not then subjected to further curation. The score for this variant resulted in a classification of benign for this disease.